The following is an entry in ClinVar:

ClinVar aggregate classification (germline): Uncertain significance (1 of 4 stars; one submission).

Submission:

Labcorp Genetics (formerly Invitae), Labcorp
Classification: Uncertain significance. Last evaluated: 2025-10-07. Review status: criteria provided, single submitter. Criteria: Invitae Variant Classification Sherloc (09022015). Collection method: clinical testing. Allele origin: germline.
Comment: This sequence change replaces asparagine, which is neutral and polar, with serine, which is neutral and polar, at codon 283 of the PLOD3 protein (p.Asn283Ser). This variant is present in population databases (rs762179134, gnomAD 0.002%). This variant has not been reported in the literature in individuals affected with PLOD3-related conditions. An algorithm developed to predict the effect of missense changes on protein structure and function (PolyPhen-2) suggests that this variant is likely to be tolerated. In summary, the available evidence is currently insufficient to determine the role of this variant in disease. Therefore, it has been classified as a Variant of Uncertain Significance.

NM_001084.5(PLOD3):c.848A>G (p.Asn283Ser)

Gene: PLOD3 (procollagen-lysine,2-oxoglutarate 5-dioxygenase 3; minus strand). Cytogenetic location: 7q22.1.
Variant type: single nucleotide variant.
Coding change: c.848A>G on transcript NM_001084.5 (MANE Select); coding-DNA position 848, A replaced by G.
Protein change: p.Asn283Ser; replaces asparagine 283 with serine.
Molecular consequence: missense variant.
Genome position (GRCh38, 1-based): chr7:101,212,873, T>C on the plus strand (A>G on the coding strand, the complement: PLOD3 is on the minus strand). VCF-style: chr7-101212873-T-C. GRCh37 (hg19) VCF-style: chr7-100856154-T-C.
Other names: short protein forms N283S.
Identifiers: ClinVar variation 4703969 (VCV004703969.1).
Genomic context (GRCh38, chr7:101,212,873, plus strand): 5'-CGTGCCCCTCCCTGGCACCCCCACCTCACCTGCCCCCCCGGGAGTGTCCTCCGGTCCTGG[T>C]TGCAGAAGCCACAGCCTCCCTCAGGAGTCCAGCCATTGGGGACGTAGTTTCCCAGGTAGT-3'
Protein context (NP_001075.1, residues 273-293): WTPEGGCGFC[Asn283Ser]QDRRTLPGGQ